The following is an entry in ClinVar:

ClinVar aggregate classification (germline): Likely benign. Review status: criteria provided, multiple submitters, no conflicts (2 of 4 stars). 4 submissions from 4 submitters: Likely benign (4). Last evaluated 2025-10-21.

Conditions:
ACAD9-related disorder. Also called: ACAD9-related condition.

Allele frequency attached by ClinVar (database versions not stated): ExAC 0.00027; gnomAD exomes 0.00028 and 0.00019; gnomAD 0.00006 and 0.00011; ESP Exome Variant Server 0.00008; TOPMed 0.00009; 1000 Genomes Project 30x 0.00016; 1000 Genomes Project 0.00020.
gnomAD v4.1: 294 of 1,613,880 alleles (0.018%); highest among the groups gnomAD compares: South Asian, 0.13%; 1 homozygote.

Submissions (4):

PreventionGenetics, part of Exact Sciences
Classification: Likely benign for ACAD9-related condition. Last evaluated: 2025-10-21. Review status: criteria provided, single submitter. Criteria: ACMG Guidelines, 2015. Collection method: clinical testing. Allele origin: germline.
Comment: This variant is classified as likely benign based on ACMG/AMP sequence variant interpretation guidelines (Richards et al. 2015 PMID: 25741868, with internal and published modifications).

Labcorp Genetics (formerly Invitae), Labcorp
Classification: Likely benign. Last evaluated: 2025-08-27. Review status: criteria provided, single submitter. Criteria: Invitae Variant Classification Sherloc (09022015). Collection method: clinical testing. Allele origin: germline.

Blueprint Genetics
Classification: Likely benign. Last evaluated: 2024-10-08. Review status: criteria provided, single submitter. Criteria: ACMG Guidelines, 2015. Collection method: clinical testing. Allele origin: germline.

GeneDx
Classification: Likely benign. Last evaluated: 2017-04-26. Review status: criteria provided, single submitter. Criteria: GeneDx Variant Classification (06012015). Collection method: clinical testing. Allele origin: germline. Affected: yes.
Comment: This variant is considered likely benign or benign based on one or more of the following criteria: it is a conservative change, it occurs at a poorly conserved position in the protein, it is predicted to be benign by multiple in silico algorithms, and/or has population frequency not consistent with disease.

NM_014049.5(ACAD9):c.1278+9C>G

Gene: ACAD9 (acyl-CoA dehydrogenase family member 9; plus strand). Cytogenetic location: 3q21.3.
Variant type: single nucleotide variant.
Coding change: c.1278+9C>G on transcript NM_014049.5 (MANE Select); 9 bases into the intron after coding-DNA position 1278, C replaced by G.
Molecular consequence: intron variant.
Genome position (GRCh38, 1-based): chr3:128,906,258, C>G. VCF-style: chr3-128906258-C-G. GRCh37 (hg19) VCF-style: chr3-128625101-C-G.
Identifiers: ClinVar variation 508969 (VCV000508969.14), dbSNP rs372636698, ClinGen allele CA2601456.